The following is an entry in ClinVar:

NM_001368397.1(FRMPD4):c.1141A>G (p.Lys381Glu)

Gene: FRMPD4 (FERM and PDZ domain containing 4; plus strand). Cytogenetic location: Xp22.2.
Variant type: single nucleotide variant.
Coding change: c.1141A>G on transcript NM_001368397.1 (MANE Select); coding-DNA position 1141, A replaced by G.
Protein change: p.Lys381Glu; replaces lysine 381 with glutamic acid.
Molecular consequence: missense variant.
Genome position (GRCh38, 1-based): chrX:12,704,429, A>G. VCF-style: chrX-12704429-A-G. GRCh37 (hg19) VCF-style: chrX-12722548-A-G.
Other names: c.1252A>G, p.Lys418Glu (NM_001368395.3, NM_001368398.3); c.1147A>G, p.Lys383Glu (NM_001368396.3); c.1132A>G, p.Lys378Glu (NM_001368399.3); c.1021A>G, p.Lys341Glu (NM_001368400.3); c.1117A>G, p.Lys373Glu (NM_001368401.1, NM_001368402.3); c.1141A>G, p.Lys381Glu (NM_014728.3); short protein forms K341E, K373E, K378E, K381E, K383E, K418E.
Identifiers: ClinVar variation 3602908 (VCV003602908.2).
Genomic context (GRCh38, chrX:12,704,429, plus strand): 5'-GGATTAGAGACTTTTCTTCCCTCTGCTGTGCTGCAAAGCATGAAAGAGAAGAACATAAAG[A>G]AAGCACTTTCACACCTTGTCAAAGCAAATCAAAACTTGGTACCACCGGGTAAAAAGGTAT-3'
Protein context (NP_001355326.1, residues 371-391): LQSMKEKNIK[Lys381Glu]ALSHLVKANQ

ClinVar aggregate classification (germline): Uncertain significance (1 of 4 stars; one submission).

Submission:

GeneDx
Classification: Uncertain significance. Last evaluated: 2025-09-23. Review status: criteria provided, single submitter. Criteria: GeneDx Variant Classification Process June 2021. Collection method: clinical testing. Allele origin: germline.
Comment: Not observed at significant frequency in large population cohorts (gnomAD); In silico analysis supports that this missense variant has a deleterious effect on protein structure/function; Has not been previously published as pathogenic or benign to our knowledge